The following is an entry in ClinVar:

ClinVar aggregate classification (germline): Uncertain significance (1 of 4 stars; one submission).

Conditions:
Joubert syndrome. Also called: CEREBELLOPARENCHYMAL DISORDER IV; JOUBERT-BOLTSHAUSER SYNDROME; Familial aplasia of the vermis. Identifiers: Orphanet 475, MedGen C5979921, MONDO:0018772.
Nephronophthisis. Also called: Juvenile Nephronophthisis. Identifiers: Orphanet 655, MedGen C0687120, MONDO:0019005, HP:0000090.
Meckel-Gruber syndrome. Also called: DYSENCEPHALIA SPLANCHNOCYSTICA; GRUBER SYNDROME; Dysencephalia splachnocystica. Identifiers: Orphanet 564, MedGen C0265215, MONDO:0018921.

Submission:

Labcorp Genetics (formerly Invitae), Labcorp
Classification: Uncertain significance for Joubert syndrome; Meckel-Gruber syndrome; Nephronophthisis. Last evaluated: 2021-10-28. Review status: criteria provided, single submitter. Criteria: Invitae Variant Classification Sherloc (09022015). Collection method: clinical testing. Allele origin: germline.
Comment: In summary, the available evidence is currently insufficient to determine the role of this variant in disease. Therefore, it has been classified as a Variant of Uncertain Significance. Algorithms developed to predict the effect of missense changes on protein structure and function are either unavailable or do not agree on the potential impact of this missense change (SIFT: "Tolerated"; PolyPhen-2: "Probably Damaging"; Align-GVGD: "Class C0"). This variant has not been reported in the literature in individuals affected with CEP290-related conditions. This variant is not present in population databases (gnomAD no frequency). This sequence change replaces alanine, which is neutral and non-polar, with glutamic acid, which is acidic and polar, at codon 657 of the CEP290 protein (p.Ala657Glu).

NM_025114.4(CEP290):c.1970C>A (p.Ala657Glu)

Gene: CEP290 (centrosomal protein 290; minus strand). Cytogenetic location: 12q21.32.
Variant type: single nucleotide variant.
Coding change: c.1970C>A on transcript NM_025114.4 (MANE Select); coding-DNA position 1970, C replaced by A.
Protein change: p.Ala657Glu; replaces alanine 657 with glutamic acid.
Molecular consequence: missense variant.
Genome position (GRCh38, 1-based): chr12:88,114,502, G>T on the plus strand (C>A on the coding strand, the complement: CEP290 is on the minus strand). VCF-style: chr12-88114502-G-T. GRCh37 (hg19) VCF-style: chr12-88508279-G-T.
Other names: short protein forms A657E.
Identifiers: ClinVar variation 1389882 (VCV001389882.6), dbSNP rs2038920051, ClinGen allele CA385976901.
Genomic context (GRCh38, chr12:88,114,502, plus strand): 5'-GGGATAATTAGAGATGTTTCTCCTCCTTTAACATCAGGATCTTTCTGCATTTCCTTAATT[G>T]CTTGCAATATTTCTTTCATACCTTCTTCAAGTTGCTTATTTTCTTCAACTAATTCTTTTA-3'
Protein context (NP_079390.3, residues 647-667): LEEGMKEILQ[Ala657Glu]IKEMQKDPDV